The following is an entry in ClinVar:

NM_015346.4(ZFYVE26):c.2458del (p.His820fs)

Gene: ZFYVE26 (zinc finger FYVE-type containing 26; minus strand). Cytogenetic location: 14q24.1.
Variant type: Deletion.
Coding change: c.2458del on transcript NM_015346.4 (MANE Select); coding-DNA position 2458, one base deleted (C; older notation c.2458delC).
Protein change: p.His820fs; shifts the reading frame from histidine 820.
Molecular consequence: frameshift variant.
Genome position (GRCh38, 1-based): chr14:67,793,703, G deleted on the plus strand (C on the coding strand, the reverse complement: ZFYVE26 is on the minus strand); the first of 5 consecutive G bases (chr14:67,793,703-67,793,707); deleting any one gives the same sequence. VCF-style (leftmost placement, unchanged base first): chr14-67793702-TG-T. GRCh37 (hg19) VCF-style: chr14-68260419-TG-T.
Other names: short protein forms H820fs.
Identifiers: ClinVar variation 1440633 (VCV001440633.6), dbSNP rs2140237876, ClinGen allele CA2573150145.

ClinVar aggregate classification (germline): Pathogenic (1 of 4 stars; one submission).

Conditions:
Spastic paraplegia. Identifiers: MedGen C0037772, HP:0001258.

Submission:

Labcorp Genetics (formerly Invitae), Labcorp
Classification: Pathogenic for Spastic paraplegia. Last evaluated: 2020-11-06. Review status: criteria provided, single submitter. Criteria: Invitae Variant Classification Sherloc (09022015). Collection method: clinical testing. Allele origin: germline.
Comment: For these reasons, this variant has been classified as Pathogenic. This variant has not been reported in the literature in individuals with ZFYVE26-related conditions. This variant is not present in population databases (ExAC no frequency). This sequence change creates a premature translational stop signal (p.His820Ilefs*9) in the ZFYVE26 gene. It is expected to result in an absent or disrupted protein product. Loss-of-function variants in ZFYVE26 are known to be pathogenic (PMID: 18394578, 19805727).

Literature cited by the submitters: PubMed 18394578; PubMed 19805727.